The following is an entry in ClinVar:

NM_017547.4(FOXRED1):c.909T>C (p.Gly303=)

Gene: FOXRED1 (FAD dependent oxidoreductase domain containing 1; plus strand). Cytogenetic location: 11q24.2.
Variant type: single nucleotide variant.
Coding change: c.909T>C on transcript NM_017547.4 (MANE Select); coding-DNA position 909, T replaced by C.
Protein change: p.Gly303=; no amino-acid change (glycine 303 retained).
Molecular consequence: synonymous variant. On other transcripts: non-coding transcript variant (2).
Genome position (GRCh38, 1-based): chr11:126,276,157, T>C. VCF-style: chr11-126276157-T-C. GRCh37 (hg19) VCF-style: chr11-126146052-T-C.
Identifiers: ClinVar variation 668830 (VCV000668830.5), dbSNP rs768064354, ClinGen allele CA6354265.

ClinVar aggregate classification (germline): Likely benign. Review status: criteria provided, multiple submitters, no conflicts (2 of 4 stars). 2 submissions from 2 submitters: Likely benign (2). Last evaluated 2024-10-16.

Allele frequency attached by ClinVar (database versions not stated): gnomAD exomes 0.00001 and 0.00002; gnomAD 0.00002; TOPMed 0.00002.
gnomAD v4.1: 30 of 1,610,296 alleles (0.0019%); highest among the groups gnomAD compares: African/African-American, 0.004%; no homozygotes.

Submissions (2):

Labcorp Genetics (formerly Invitae), Labcorp
Classification: Likely benign. Last evaluated: 2024-10-16. Review status: criteria provided, single submitter. Criteria: Invitae Variant Classification Sherloc (09022015). Collection method: clinical testing. Allele origin: germline.

GeneDx
Classification: Likely benign. Last evaluated: 2018-04-23. Review status: criteria provided, single submitter. Criteria: GeneDx Variant Classification (06012015). Collection method: clinical testing. Allele origin: germline. Affected: yes.
Comment: This variant is considered likely benign or benign based on one or more of the following criteria: it is a conservative change, it occurs at a poorly conserved position in the protein, it is predicted to be benign by multiple in silico algorithms, and/or has population frequency not consistent with disease.